The following is an entry in ClinVar:

ClinVar aggregate classification (germline): Uncertain significance (1 of 4 stars; one submission).

Conditions:
Neuropathy, hereditary sensory and autonomic, type 2A (HSAN2A). Also called: HSAN IIA; ACROOSTEOLYSIS, GIACCAI TYPE; ACROOSTEOLYSIS, NEUROGENIC; WNK1-Related HSAN2 (HSAN2A); MORVAN DISEASE; NEUROPATHY, CONGENITAL SENSORY. Identifiers: Orphanet 970, MedGen C2752089, MONDO:0024309, OMIM 201300.
Pseudohypoaldosteronism type 2C (PHA2C). Also called: Pseudohypoaldosteronism Type IIC. Identifiers: Orphanet 757, Orphanet 88940, MedGen C1840391, MONDO:0013778, OMIM 614492.

Allele frequency attached by ClinVar (database versions not stated): gnomAD exomes below 0.00001.
gnomAD v4.1: 6 of 1,614,224 alleles (0.00037%); highest among the groups gnomAD compares: Middle Eastern, 0.049%; no homozygotes.

Submission:

Labcorp Genetics (formerly Invitae), Labcorp
Classification: Uncertain significance for Neuropathy, hereditary sensory and autonomic, type 2A; Pseudohypoaldosteronism type 2C. Last evaluated: 2022-09-13. Review status: criteria provided, single submitter. Criteria: Invitae Variant Classification Sherloc (09022015). Collection method: clinical testing. Allele origin: germline.
Comment: In summary, the available evidence is currently insufficient to determine the role of this variant in disease. Therefore, it has been classified as a Variant of Uncertain Significance. Algorithms developed to predict the effect of sequence changes on RNA splicing suggest that this variant may create or strengthen a splice site. Advanced modeling of protein sequence and biophysical properties (such as structural, functional, and spatial information, amino acid conservation, physicochemical variation, residue mobility, and thermodynamic stability) performed at Invitae indicates that this missense variant is not expected to disrupt WNK1 protein function. ClinVar contains an entry for this variant (Variation ID: 576847). This variant has not been reported in the literature in individuals affected with WNK1-related conditions. This variant is present in population databases (no rsID available, gnomAD 0.003%). This sequence change replaces glutamic acid, which is acidic and polar, with valine, which is neutral and non-polar, at codon 2175 of the WNK1 protein (p.Glu2175Val).

NM_018979.4(WNK1):c.5768A>T (p.Glu1923Val)

Gene: WNK1 (WNK lysine deficient protein kinase 1; plus strand). Cytogenetic location: 12p13.33.
Variant type: single nucleotide variant.
Coding change: c.5768A>T on transcript NM_018979.4 (MANE Select); coding-DNA position 5768, A replaced by T.
Protein change: p.Glu1923Val; replaces glutamic acid 1923 with valine.
Molecular consequence: missense variant.
Genome position (GRCh38, 1-based): chr12:896,255, A>T. VCF-style: chr12-896255-A-T. GRCh37 (hg19) VCF-style: chr12-1005421-A-T.
Other names: c.6548A>T, p.Glu2183Val (NM_001184985.2); c.5024A>T, p.Glu1675Val (NM_014823.3); c.6524A>T, p.Glu2175Val (NM_213655.5); short protein forms E1923V, E2175V, E2183V, E1675V.
Identifiers: ClinVar variation 576847 (VCV000576847.10), dbSNP rs1269384433, ClinGen allele CA383335121.